The following is an entry in ClinVar:

ClinVar aggregate classification (germline): Likely benign (0 of 4 stars; one submission).

Conditions:
MARCHF6-related disorder. Also called: MARCHF6-related condition.

Allele frequency attached by ClinVar (database versions not stated): gnomAD exomes 0.00004; gnomAD 0.00007; TOPMed 0.00008; ExAC 0.00013; 1000 Genomes Project 30x 0.00016; 1000 Genomes Project 0.00020.
gnomAD v4.1: 64 of 1,614,184 alleles (0.004%); highest among the groups gnomAD compares: East Asian, 0.14%; no homozygotes.

Submission:

PreventionGenetics, part of Exact Sciences
Classification: Likely benign for MARCHF6-related condition. Last evaluated: 2021-03-08. Review status: no assertion criteria provided. Collection method: clinical testing. Allele origin: germline.
Comment: This variant is classified as likely benign based on ACMG/AMP sequence variant interpretation guidelines (Richards et al. 2015 PMID: 25741868, with internal and published modifications).

NM_005885.4(MARCHF6):c.2084T>C (p.Met695Thr)

Gene: MARCHF6 (membrane associated ring-CH-type finger 6; plus strand). Cytogenetic location: 5p15.2.
Variant type: single nucleotide variant.
Coding change: c.2084T>C on transcript NM_005885.4 (MANE Select); coding-DNA position 2084, T replaced by C.
Protein change: p.Met695Thr; replaces methionine 695 with threonine.
Molecular consequence: missense variant.
Genome position (GRCh38, 1-based): chr5:10,415,605, T>C. VCF-style: chr5-10415605-T-C. GRCh37 (hg19) VCF-style: chr5-10415717-T-C.
Other names: c.1940T>C, p.Met647Thr (NM_001270660.2); c.1769T>C, p.Met590Thr (NM_001270661.2); short protein forms M590T, M647T, M695T.
Identifiers: ClinVar variation 3048843 (VCV003048843.2), dbSNP rs201645809, ClinGen allele CA3199387.